The following is an entry in ClinVar:

NM_145290.4(ADGRA3):c.947C>A (p.Ala316Asp)

Gene: ADGRA3 (adhesion G protein-coupled receptor A3; minus strand). Cytogenetic location: 4p15.2.
Variant type: single nucleotide variant.
Coding change: c.947C>A on transcript NM_145290.4 (MANE Select); coding-DNA position 947, C replaced by A.
Protein change: p.Ala316Asp; replaces alanine 316 with aspartic acid.
Molecular consequence: missense variant.
Genome position (GRCh38, 1-based): chr4:22,438,394, G>T on the plus strand (C>A on the coding strand, the complement: ADGRA3 is on the minus strand). VCF-style: chr4-22438394-G-T. GRCh37 (hg19) VCF-style: chr4-22440017-G-T.
Other names: short protein forms A316D.
Identifiers: ClinVar variation 938070 (VCV000938070.9), dbSNP rs1716480565, ClinGen allele CA356482781.
Genomic context (GRCh38, chr4:22,438,394, plus strand): 5'-GTCCTCGTATTATTCCCACGTTTGGTCTGGACATGACAGCCCCAATTTCCAGTAGATCCA[G>T]CCTGAATATTAGAAATGGTTAGGGCACTGCATAAAGAAAGATTTTAAAAAGAGAGAAAAT-3'
Protein context (NP_660333.2, residues 306-326): ASALTISNIQ[Ala316Asp]GSTGNWGCHV

ClinVar aggregate classification (germline): Uncertain significance (1 of 4 stars; one submission).

Submission:

Labcorp Genetics (formerly Invitae), Labcorp
Classification: Uncertain significance. Last evaluated: 2019-09-12. Review status: criteria provided, single submitter. Criteria: Invitae Variant Classification Sherloc (09022015). Collection method: clinical testing. Allele origin: germline.
Comment: In summary, the available evidence is currently insufficient to determine the role of this variant in disease. Therefore, it has been classified as a Variant of Uncertain Significance. Algorithms developed to predict the effect of missense changes on protein structure and function are either unavailable or do not agree on the potential impact of this missense change (SIFT: "Tolerated"; PolyPhen-2: "Probably Damaging"; Align-GVGD: "Class C0"). This variant has not been reported in the literature in individuals with ADGRA3-related conditions. This variant is not present in population databases (ExAC no frequency). This sequence change replaces alanine with aspartic acid at codon 316 of the ADGRA3 protein (p.Ala316Asp). The alanine residue is moderately conserved and there is a moderate physicochemical difference between alanine and aspartic acid.